The following is an entry in ClinVar:

ClinVar aggregate classification (germline): Benign/Likely benign. Review status: criteria provided, multiple submitters, no conflicts (2 of 4 stars). 7 submissions from 7 submitters: Benign (5); Likely benign (2). Last evaluated 2026-01-28.

Conditions:
Gillespie syndrome (GLSP). Also called: Aniridia, cerebellar ataxia, and mental deficiency; Aniridia-cerebellar ataxia-intellectual disability syndrome. Identifiers: Orphanet 1065, MedGen C0431401, MONDO:0008795, OMIM 206700.
Spinocerebellar ataxia type 29 (SCA29). Also called: Spinocerebellar ataxia 29, congenital nonprogressive; CEREBELLAR ATAXIA, CONGENITAL NONPROGRESSIVE, AUTOSOMAL DOMINANT. Identifiers: Orphanet 208513, MedGen C1861732, MONDO:0007298, OMIM 117360.
Spinocerebellar ataxia type 15/16 (SCA15). Also called: Spinocerebellar Ataxia Type 15. Identifiers: Orphanet 98769, MedGen C1847725, MONDO:0011694, OMIM 606658.
Autosomal dominant cerebellar ataxia. Also called: Spinocerebellar Ataxia, Dominant. Identifiers: Orphanet 99, MedGen C4087347, MONDO:0020380.

Allele frequency attached by ClinVar (database versions not stated): gnomAD exomes 0.00111 and 0.00266; ExAC 0.00306; gnomAD 0.00978 and 0.01036; 1000 Genomes Project 0.01018; ESP Exome Variant Server 0.01039; TOPMed 0.01105; 1000 Genomes Project 30x 0.01140.
gnomAD v4.1: 3,173 of 1,613,674 alleles (0.2%); highest among the groups gnomAD compares: African/African-American, 3.4%; 45 homozygotes.

Submissions (7):

Labcorp Genetics (formerly Invitae), Labcorp
Classification: Benign. Last evaluated: 2026-01-28. Review status: criteria provided, single submitter. Criteria: Invitae Variant Classification Sherloc (09022015). Collection method: clinical testing. Allele origin: germline.

Blueprint Genetics
Classification: Likely benign. Last evaluated: 2024-11-19. Review status: criteria provided, single submitter. Criteria: ACMG Guidelines, 2015. Collection method: clinical testing. Allele origin: germline.

Athena Diagnostics
Classification: Benign. Last evaluated: 2024-03-01. Review status: criteria provided, single submitter. Criteria: Athena Diagnostics Criteria. Collection method: clinical testing. Allele origin: unknown.

Fulgent Genetics
Classification: Likely benign for Spinocerebellar ataxia type 29; Gillespie syndrome; Spinocerebellar ataxia type 15/16. Last evaluated: 2021-09-27. Review status: criteria provided, single submitter. Criteria: ACMG Guidelines, 2015. Collection method: clinical testing. Allele origin: unknown.

GeneDx
Classification: Benign. Last evaluated: 2020-11-18. Review status: criteria provided, single submitter. Criteria: GeneDx Variant Classification Process June 2021. Collection method: clinical testing. Allele origin: germline. Affected: yes.

Illumina Laboratory Services, Illumina
Classification: Benign for Spinocerebellar Ataxia, Dominant. Last evaluated: 2018-01-13. Review status: criteria provided, single submitter. Criteria: ICSL Variant Classification Criteria 13 December 2019. Collection method: clinical testing. Allele origin: germline.
Comment: This variant was observed in the ICSL laboratory as part of a predisposition screen in an ostensibly healthy population. It had not been previously curated by ICSL or reported in the Human Gene Mutation Database (HGMD: prior to June 1st, 2018), and was therefore a candidate for classification through an automated scoring system. Utilizing variant allele frequency, disease prevalence and penetrance estimates, and inheritance mode, an automated score was calculated to assess if this variant is too frequent to cause the disease. Based on the score and internal cut-off values, a variant classified as benign is not then subjected to further curation. The score for this variant resulted in a classification of benign for this disease.

Breakthrough Genomics
Classification: Benign. Review status: criteria provided, single submitter. Criteria: ACMG Guidelines, 2015. Collection method: not provided. Allele origin: germline. Inheritance: Autosomal dominant inheritance. Affected: yes.

NM_001378452.1(ITPR1):c.1302G>A (p.Pro434=)

Gene: ITPR1 (inositol 1,4,5-trisphosphate receptor type 1; plus strand). Cytogenetic location: 3p26.1.
Variant type: single nucleotide variant.
Coding change: c.1302G>A on transcript NM_001378452.1 (MANE Select); coding-DNA position 1302, G replaced by A.
Protein change: p.Pro434=; no amino-acid change (proline 434 retained).
Molecular consequence: synonymous variant.
Genome position (GRCh38, 1-based): chr3:4,662,132, G>A. VCF-style: chr3-4662132-G-A. GRCh37 (hg19) VCF-style: chr3-4703816-G-A.
Other names: c.1302G>A, p.Pro434= (NM_001099952.4); c.1257G>A, p.Pro419= (NM_001168272.2, NM_002222.7).
Identifiers: ClinVar variation 345641 (VCV000345641.21), dbSNP rs34252981, ClinGen allele CA2231158.
Genomic context (GRCh38, chr3:4,662,132, plus strand): 5'-TGAATTTCAGATTGGCACCTCTCCTGTGAAGGAGGATAAGGAAGCATTTGCCATAGTTCC[G>A]GTTTCTCCTGCTGAAGTTCGGGACCTGGACTTTGCCAATGATGCCAGCAAGGTGCTGGGC-3'
Protein context (NP_001365381.1, residues 424-444): KEDKEAFAIV[Pro434=]VSPAEVRDLD